The following is an entry in ClinVar:

NM_004525.3(LRP2):c.10313G>C (p.Gly3438Ala)

Gene: LRP2 (LDL receptor related protein 2; minus strand). Cytogenetic location: 2q31.1.
Variant type: single nucleotide variant.
Coding change: c.10313G>C on transcript NM_004525.3 (MANE Select); coding-DNA position 10313, G replaced by C.
Protein change: p.Gly3438Ala; replaces glycine 3438 with alanine.
Molecular consequence: missense variant.
Genome position (GRCh38, 1-based): chr2:169,177,883, C>G on the plus strand (G>C on the coding strand, the complement: LRP2 is on the minus strand). VCF-style: chr2-169177883-C-G. GRCh37 (hg19) VCF-style: chr2-170034393-C-G.
Other names: short protein forms G3438A.
Identifiers: ClinVar variation 2088866 (VCV002088866.1), dbSNP rs2545737498, ClinGen allele CA349149080.

ClinVar aggregate classification (germline): Uncertain significance (1 of 4 stars; one submission).

Submission:

Labcorp Genetics (formerly Invitae), Labcorp
Classification: Uncertain significance. Last evaluated: 2022-07-25. Review status: criteria provided, single submitter. Criteria: Invitae Variant Classification Sherloc (09022015). Collection method: clinical testing. Allele origin: germline.
Comment: This sequence change replaces glycine, which is neutral and non-polar, with alanine, which is neutral and non-polar, at codon 3438 of the LRP2 protein (p.Gly3438Ala). This variant is not present in population databases (gnomAD no frequency). This variant has not been reported in the literature in individuals affected with LRP2-related conditions. Advanced modeling of protein sequence and biophysical properties (such as structural, functional, and spatial information, amino acid conservation, physicochemical variation, residue mobility, and thermodynamic stability) performed at Invitae indicates that this missense variant is expected to disrupt LRP2 protein function. In summary, the available evidence is currently insufficient to determine the role of this variant in disease. Therefore, it has been classified as a Variant of Uncertain Significance.